The following is an entry in ClinVar:

ClinVar aggregate classification (germline): Uncertain significance (1 of 4 stars; one submission).

Submission:

Labcorp Genetics (formerly Invitae), Labcorp
Classification: Uncertain significance. Last evaluated: 2024-08-31. Review status: criteria provided, single submitter. Criteria: Invitae Variant Classification Sherloc (09022015). Collection method: clinical testing. Allele origin: germline.
Comment: This sequence change replaces alanine, which is neutral and non-polar, with glycine, which is neutral and non-polar, at codon 6 of the ATP6AP1 protein (p.Ala6Gly). This variant is not present in population databases (gnomAD no frequency). This variant has not been reported in the literature in individuals affected with ATP6AP1-related conditions. Experimental studies and prediction algorithms are not available or were not evaluated, and the functional significance of this variant is currently unknown. In summary, the available evidence is currently insufficient to determine the role of this variant in disease. Therefore, it has been classified as a Variant of Uncertain Significance.

NM_001183.6(ATP6AP1):c.17C>G (p.Ala6Gly)

Gene: ATP6AP1 (ATPase H+ transporting accessory protein 1; plus strand). Cytogenetic location: Xq28.
Variant type: single nucleotide variant.
Coding change: c.17C>G on transcript NM_001183.6 (MANE Select); coding-DNA position 17, C replaced by G.
Protein change: p.Ala6Gly; replaces alanine 6 with glycine.
Molecular consequence: missense variant.
Genome position (GRCh38, 1-based): chrX:154,428,709, C>G. VCF-style: chrX-154428709-C-G. GRCh37 (hg19) VCF-style: chrX-153657055-C-G.
Other names: short protein forms A6G.
Identifiers: ClinVar variation 3699581 (VCV003699581.2).